The following is an entry in ClinVar:

ClinVar aggregate classification (germline): Uncertain significance (1 of 4 stars; one submission).

Submission:

CeGaT Center for Human Genetics Tuebingen
Classification: Uncertain significance. Last evaluated: 2022-12-01. Review status: criteria provided, single submitter. Criteria: CeGaT Center For Human Genetics Tuebingen Variant Classification Criteria Version 2. Collection method: clinical testing. Allele origin: germline. Affected: yes. Observed: 1 variant allele.
Comment: SALL1: PM2, BP4

NM_002968.3(SALL1):c.3845T>C (p.Leu1282Pro)

Gene: SALL1 (spalt like transcription factor 1; minus strand). Cytogenetic location: 16q12.1.
Variant type: single nucleotide variant.
Coding change: c.3845T>C on transcript NM_002968.3 (MANE Select); coding-DNA position 3845, T replaced by C.
Protein change: p.Leu1282Pro; replaces leucine 1282 with proline.
Molecular consequence: missense variant.
Genome position (GRCh38, 1-based): chr16:51,137,242, A>G on the plus strand (T>C on the coding strand, the complement: SALL1 is on the minus strand). VCF-style: chr16-51137242-A-G. GRCh37 (hg19) VCF-style: chr16-51171153-A-G.
Other names: c.3554T>C, p.Leu1185Pro (NM_001127892.2); short protein forms L1185P, L1282P.
Identifiers: ClinVar variation 2646522 (VCV002646522.24), dbSNP rs2506476611, ClinGen allele CA395877841.
Genomic context (GRCh38, chr16:51,137,242, plus strand): 5'-CTTGCCATTTTCTCCAGGCCGGCCAGGGGAGCATTGGGCTCTGAGTTCTGGAGCCTCTCC[A>G]GGTTTCCCGTCAGCCCACTAACAGGTGAGCTGTTCCCACTGCCGAGGCTTCCAGGAATTG-3'
Protein context (NP_002959.2, residues 1272-1292): SSPVSGLTGN[Leu1282Pro]ERLQNSEPNA